The following is an entry in ClinVar:

NM_000245.4(MET):c.2528C>G (p.Pro843Arg)

Gene: MET (MET proto-oncogene, receptor tyrosine kinase; plus strand). Cytogenetic location: 7q31.2.
Variant type: single nucleotide variant.
Coding change: c.2528C>G on transcript NM_000245.4 (MANE Select); coding-DNA position 2528, C replaced by G.
Protein change: p.Pro843Arg; replaces proline 843 with arginine.
Molecular consequence: missense variant.
Genome position (GRCh38, 1-based): chr7:116,763,213, C>G. VCF-style: chr7-116763213-C-G. GRCh37 (hg19) VCF-style: chr7-116403267-C-G.
Other names: c.2582C>G, p.Pro861Arg (NM_001127500.3); c.2528C>G, p.Pro843Arg (NM_001324401.3); c.1238C>G, p.Pro413Arg (NM_001324402.2); short protein forms P413R, P843R, P861R.
Identifiers: ClinVar variation 1004076 (VCV001004076.9), dbSNP rs762228405, ClinGen allele CA4448497.
Genomic context (GRCh38, chr7:116,763,213, plus strand): 5'-TAGATGGGATCCTTTCCAAATACTTTGATCTCATTTATGTACATAATCCTGTGTTTAAGC[C>G]TTTTGAAAAGCCAGTGATGATCTCAATGGGCAATGAAAATGTACTGGAAATTAAGGTAAG-3'
Protein context (NP_000236.2, residues 833-853): LIYVHNPVFK[Pro843Arg]FEKPVMISMG

ClinVar aggregate classification (germline): Uncertain significance. Review status: criteria provided, multiple submitters, no conflicts (2 of 4 stars). 3 submissions from 3 submitters: Uncertain significance (3). Last evaluated 2025-10-25.

Conditions:
Renal cell carcinoma. Identifiers: Orphanet 217071, MedGen C0007134, MeSH D002292, MONDO:0005086, HP:0005584.
Autosomal recessive nonsyndromic hearing loss 97. Also called: Deafness, autosomal recessive 97. Identifiers: Orphanet 90636, MedGen C4084709, MONDO:0014739, OMIM 616705.
Hereditary cancer-predisposing syndrome. Also called: Hereditary neoplastic syndrome; Neoplastic Syndromes, Hereditary; Tumor predisposition; Hereditary Cancer Syndrome. Identifiers: Orphanet 140162, MedGen C0027672, MeSH D009386, MONDO:0015356.

Allele frequency attached by ClinVar (database versions not stated): gnomAD exomes below 0.00001; ExAC 0.00001; gnomAD 0.00001; TOPMed 0.00002.
gnomAD v4.1: 2 of 1,613,784 alleles (0.00012%); highest among the groups gnomAD compares: Admixed American, 0.0033%; no homozygotes.

Submissions (3):

Labcorp Genetics (formerly Invitae), Labcorp
Classification: Uncertain significance for Renal cell carcinoma. Last evaluated: 2025-10-25. Review status: criteria provided, single submitter. Criteria: Invitae Variant Classification Sherloc (09022015). Collection method: clinical testing. Allele origin: germline.
Comment: This sequence change replaces proline, which is neutral and non-polar, with arginine, which is basic and polar, at codon 861 of the MET protein (p.Pro861Arg). This variant is present in population databases (rs762228405, gnomAD 0.003%). This variant has not been reported in the literature in individuals affected with MET-related conditions. ClinVar contains an entry for this variant (Variation ID: 1004076). Invitae Evidence Modeling of protein sequence and biophysical properties (such as structural, functional, and spatial information, amino acid conservation, physicochemical variation, residue mobility, and thermodynamic stability) indicates that this missense variant is not expected to disrupt MET protein function with a negative predictive value of 80%. In summary, the available evidence is currently insufficient to determine the role of this variant in disease. Therefore, it has been classified as a Variant of Uncertain Significance.

Ambry Genetics
Classification: Uncertain significance for Hereditary cancer-predisposing syndrome. Last evaluated: 2025-08-08. Review status: criteria provided, single submitter. Criteria: Ambry Variant Classification Scheme 2023. Collection method: clinical testing. Allele origin: germline.
Comment: The p.P861R variant (also known as c.2582C>G), located in coding exon 10 of the MET gene, results from a C to G substitution at nucleotide position 2582. The proline at codon 861 is replaced by arginine, an amino acid with dissimilar properties. This amino acid position is not well conserved in available vertebrate species. In addition, this alteration is predicted to be tolerated by in silico analysis. Since supporting evidence is limited at this time, the clinical significance of this alteration remains unclear.

Baylor Genetics
Classification: Uncertain significance for Autosomal recessive nonsyndromic hearing loss 97. Last evaluated: 2023-09-29. Review status: criteria provided, single submitter. Criteria: ACMG Guidelines, 2015. Collection method: clinical testing. Allele origin: unknown.